The following is an entry in ClinVar:

ClinVar aggregate classification (germline): Likely benign (1 of 4 stars; one submission).

Allele frequency attached by ClinVar (database versions not stated): gnomAD exomes 0.00001; ExAC 0.00003; gnomAD 0.00003; 1000 Genomes Project 30x 0.00047; 1000 Genomes Project 0.00060.
gnomAD v4.1: 9 of 1,607,268 alleles (0.00056%); highest among the groups gnomAD compares: East Asian, 0.018%; no homozygotes.

Submission:

CeGaT Center for Human Genetics Tuebingen
Classification: Likely benign. Last evaluated: 2022-03-01. Review status: criteria provided, single submitter. Criteria: CeGaT Center For Human Genetics Tuebingen Variant Classification Criteria Version 2. Collection method: clinical testing. Allele origin: germline. Affected: yes. Observed: 1 variant allele.
Comment: SELENOI: BP4, BP7

NM_033505.4(SELENOI):c.142C>T (p.Leu48=)

Gene: SELENOI (selenoprotein I; plus strand). Cytogenetic location: 2p23.3.
Variant type: single nucleotide variant.
Coding change: c.142C>T on transcript NM_033505.4 (MANE Select); coding-DNA position 142, C replaced by T.
Protein change: p.Leu48=; no amino-acid change (leucine 48 retained).
Molecular consequence: synonymous variant. On other transcripts: non-coding transcript variant (1).
Genome position (GRCh38, 1-based): chr2:26,364,847, C>T. VCF-style: chr2-26364847-C-T. GRCh37 (hg19) VCF-style: chr2-26587715-C-T.
Identifiers: ClinVar variation 2650745 (VCV002650745.24), dbSNP rs545893128, ClinGen allele CA1561469.